The following is an entry in ClinVar:

NM_000256.3(MYBPC3):c.3455C>T (p.Ala1152Val)

Gene: MYBPC3 (myosin binding protein C3; minus strand). Cytogenetic location: 11p11.2.
Variant type: single nucleotide variant.
Coding change: c.3455C>T on transcript NM_000256.3 (MANE Select); coding-DNA position 3455, C replaced by T.
Protein change: p.Ala1152Val; replaces alanine 1152 with valine.
Molecular consequence: missense variant.
Genome position (GRCh38, 1-based): chr11:47,332,849, G>A on the plus strand (C>T on the coding strand, the complement: MYBPC3 is on the minus strand). VCF-style: chr11-47332849-G-A. GRCh37 (hg19) VCF-style: chr11-47354400-G-A.
Other names: short protein forms A1152V.
Identifiers: ClinVar variation 971082 (VCV000971082.9), dbSNP rs1319448449, ClinGen allele CA380313190.
Genomic context (GRCh38, chr11:47,332,849, plus strand): 5'-GGTTGGAAGAATGAGGGTACAGCACCTGGTCTGGGGATAAAGACGGGCTCCTTGGTGGTG[G>A]CCGCTCTGTCACTAAAGCCAACCATATTCTGGCTGAAGACGCGGAAGTAGTAGCCATTGC-3'
Protein context (NP_000247.2, residues 1142-1162): QNMVGFSDRA[Ala1152Val]TTKEPVFIPR

ClinVar aggregate classification (germline): Uncertain significance (1 of 4 stars; one submission).

Conditions:
Hypertrophic cardiomyopathy. Also called: HYPERTROPHIC MYOCARDIOPATHY. Identifiers: Orphanet 217569, MedGen C0007194, MeSH D002312, MONDO:0005045, HP:0001639.

Allele frequency attached by ClinVar (database versions not stated): gnomAD exomes below 0.00001.
gnomAD v4.1: 1 of 1,607,290 alleles (0.000062%); highest among the groups gnomAD compares: African/African-American, 0.0013%; no homozygotes.

Submission:

Labcorp Genetics (formerly Invitae), Labcorp
Classification: Uncertain significance for Hypertrophic cardiomyopathy. Last evaluated: 2019-10-19. Review status: criteria provided, single submitter. Criteria: Invitae Variant Classification Sherloc (09022015). Collection method: clinical testing. Allele origin: germline.
Comment: In summary, the available evidence is currently insufficient to determine the role of this variant in disease. Therefore, it has been classified as a Variant of Uncertain Significance. Algorithms developed to predict the effect of missense changes on protein structure and function (SIFT, PolyPhen-2, Align-GVGD) all suggest that this variant is likely to be tolerated, but these predictions have not been confirmed by published functional studies and their clinical significance is uncertain. This variant has not been reported in the literature in individuals with MYBPC3-related conditions. This variant is not present in population databases (ExAC no frequency). This sequence change replaces alanine with valine at codon 1152 of the MYBPC3 protein (p.Ala1152Val). The alanine residue is highly conserved and there is a small physicochemical difference between alanine and valine.